The following is an entry in ClinVar:

NM_002472.3(MYH8):c.629A>G (p.Asp210Gly)

Genes: MYHAS (myosin heavy chain gene cluster antisense RNA; plus strand), MYH8 (myosin heavy chain 8; minus strand). Cytogenetic location: 17p13.1.
Variant type: single nucleotide variant.
Coding change: c.629A>G on transcript NM_002472.3 (MANE Select); coding-DNA position 629, A replaced by G.
Protein change: p.Asp210Gly; replaces aspartic acid 210 with glycine.
Molecular consequence: missense variant.
Genome position (GRCh38, 1-based): chr17:10,415,491, T>C on the plus strand (A>G on the coding strand, the complement: MYH8 is on the minus strand). VCF-style: chr17-10415491-T-C. GRCh37 (hg19) VCF-style: chr17-10318808-T-C.
Other names: short protein forms D210G.
Identifiers: ClinVar variation 1722946 (VCV001722946.3), dbSNP rs963790352, ClinGen allele CA287737391.
Genomic context (GRCh38, chr17:10,415,491, plus strand): 5'-AGAGCCTTGACAGAGGTTTTGACTCTGGCTATCAGACCTACCTGCATTTTGCCAGATTCA[T>C]CCTTCTTCTTCTCTCCAGTAACTGCAATTGTTGCAAAGTATTGGATGACACGCTTGGTGT-3'
Protein context (NP_002463.2, residues 200-220): TIAVTGEKKK[Asp210Gly]ESGKMQGTLE

ClinVar aggregate classification (germline): Uncertain significance. Review status: criteria provided, multiple submitters, no conflicts (2 of 4 stars). 2 submissions from 2 submitters: Uncertain significance (2). Last evaluated 2025-04-10.

Allele frequency attached by ClinVar (database versions not stated): gnomAD exomes below 0.00001; gnomAD 0.00001; TOPMed 0.00001.
gnomAD v4.1: 5 of 1,614,114 alleles (0.00031%); highest among the groups gnomAD compares: Admixed American, 0.0067%; no homozygotes.

Submissions (2):

Ambry Genetics
Classification: Uncertain significance. Last evaluated: 2025-04-10. Review status: criteria provided, single submitter. Criteria: Ambry Variant Classification Scheme 2023. Collection method: clinical testing. Allele origin: germline.

GeneDx
Classification: Uncertain significance. Last evaluated: 2022-11-02. Review status: criteria provided, single submitter. Criteria: GeneDx Variant Classification Process June 2021. Collection method: clinical testing. Allele origin: germline. Affected: yes.
Comment: In silico analysis supports that this missense variant does not alter protein structure/function; In silico analysis supports a deleterious effect on splicing; Has not been previously published as pathogenic or benign to our knowledge